The following is an entry in ClinVar:

ClinVar aggregate classification (germline): Uncertain significance. Review status: criteria provided, multiple submitters, no conflicts (2 of 4 stars). 3 submissions from 3 submitters: Uncertain significance (3). Last evaluated 2023-01-24.

Conditions:
Inborn genetic diseases. Identifiers: MedGen C0950123, MeSH D030342.
Microcephaly 2, primary, autosomal recessive, with or without cortical malformations. Also called: MICROCEPHALY 2, PRIMARY, AUTOSOMAL RECESSIVE, WITH CORTICAL MALFORMATIONS; WDR62 Primary Microcephaly. Identifiers: Orphanet 2512, MedGen C1858535, MONDO:0011435, OMIM 604317.

Allele frequency attached by ClinVar (database versions not stated): TOPMed below 0.00001; gnomAD 0.00001; ExAC 0.00002; gnomAD exomes 0.00003.
gnomAD v4.1: 39 of 1,613,510 alleles (0.0024%); highest among the groups gnomAD compares: East Asian, 0.0067%; no homozygotes.

Submissions (3):

Ambry Genetics
Classification: Uncertain significance for Inborn genetic diseases. Last evaluated: 2023-01-24. Review status: criteria provided, single submitter. Criteria: Ambry Variant Classification Scheme 2023. Collection method: clinical testing. Allele origin: germline.

Labcorp Genetics (formerly Invitae), Labcorp
Classification: Uncertain significance. Last evaluated: 2022-07-19. Review status: criteria provided, single submitter. Criteria: Invitae Variant Classification Sherloc (09022015). Collection method: clinical testing. Allele origin: germline.
Comment: In summary, the available evidence is currently insufficient to determine the role of this variant in disease. Therefore, it has been classified as a Variant of Uncertain Significance. Algorithms developed to predict the effect of missense changes on protein structure and function output the following: SIFT: "Tolerated"; PolyPhen-2: "Benign"; Align-GVGD: "Class C0". The methionine amino acid residue is found in multiple mammalian species, which suggests that this missense change does not adversely affect protein function. ClinVar contains an entry for this variant (Variation ID: 160290). This variant has not been reported in the literature in individuals affected with WDR62-related conditions. This variant is present in population databases (rs587784557, gnomAD 0.01%). This sequence change replaces valine, which is neutral and non-polar, with methionine, which is neutral and non-polar, at codon 1187 of the WDR62 protein (p.Val1187Met).

Genetic Services Laboratory, University of Chicago
Classification: Uncertain significance for Microcephaly 2, primary, autosomal recessive, with or without cortical malformations. Last evaluated: 2014-07-01. Review status: criteria provided, single submitter. Criteria: ACMG Guidelines, 2015. Collection method: clinical testing. Allele origin: germline. Inheritance: Autosomal recessive inheritance.

NM_001083961.2(WDR62):c.3559G>A (p.Val1187Met)

Gene: WDR62 (WD repeat domain 62; plus strand). Cytogenetic location: 19q13.12.
Variant type: single nucleotide variant.
Coding change: c.3559G>A on transcript NM_001083961.2 (MANE Select); coding-DNA position 3559, G replaced by A.
Protein change: p.Val1187Met; replaces valine 1187 with methionine.
Molecular consequence: missense variant.
Genome position (GRCh38, 1-based): chr19:36,103,387, G>A. VCF-style: chr19-36103387-G-A. GRCh37 (hg19) VCF-style: chr19-36594289-G-A.
Other names: c.3544G>A, p.Val1182Met (NM_173636.5); short protein forms V1187M, V1182M.
Identifiers: ClinVar variation 160290 (VCV000160290.15), dbSNP rs587784557, ClinGen allele CA272793.